The following is an entry in ClinVar:

NM_022167.4(XYLT2):c.1474C>T (p.Arg492Trp)

Gene: XYLT2 (xylosyltransferase 2; plus strand). Cytogenetic location: 17q21.33.
Variant type: single nucleotide variant.
Coding change: c.1474C>T on transcript NM_022167.4 (MANE Select); coding-DNA position 1474, C replaced by T.
Protein change: p.Arg492Trp; replaces arginine 492 with tryptophan.
Molecular consequence: missense variant.
Genome position (GRCh38, 1-based): chr17:50,356,253, C>T. VCF-style: chr17-50356253-C-T. GRCh37 (hg19) VCF-style: chr17-48433614-C-T.
Other names: short protein forms R492W.
Identifiers: ClinVar variation 1898727 (VCV001898727.4), dbSNP rs375521710, ClinGen allele CA8646448.

ClinVar aggregate classification (germline): Uncertain significance. Review status: criteria provided, multiple submitters, no conflicts (2 of 4 stars). 3 submissions from 3 submitters: Uncertain significance (3). Last evaluated 2024-10-04.

Conditions:
Inborn genetic diseases. Identifiers: MedGen C0950123, MeSH D030342.

Allele frequency attached by ClinVar (database versions not stated): ExAC 0.00002; TOPMed 0.00004; gnomAD 0.00006; ESP Exome Variant Server 0.00008; 1000 Genomes Project 30x 0.00016; 1000 Genomes Project 0.00020.

Submissions (3):

Ambry Genetics
Classification: Uncertain significance for Inborn genetic diseases. Last evaluated: 2024-10-04. Review status: criteria provided, single submitter. Criteria: Ambry Variant Classification Scheme 2023. Collection method: clinical testing. Allele origin: germline.

Blueprint Genetics
Classification: Uncertain significance. Last evaluated: 2023-12-27. Review status: criteria provided, single submitter. Criteria: ACMG Guidelines, 2015. Collection method: clinical testing. Allele origin: germline.

Labcorp Genetics (formerly Invitae), Labcorp
Classification: Uncertain significance. Last evaluated: 2022-04-03. Review status: criteria provided, single submitter. Criteria: Invitae Variant Classification Sherloc (09022015). Collection method: clinical testing. Allele origin: germline.
Comment: This sequence change replaces arginine, which is basic and polar, with tryptophan, which is neutral and slightly polar, at codon 492 of the XYLT2 protein (p.Arg492Trp). This variant is present in population databases (rs375521710, gnomAD 0.01%). This variant has not been reported in the literature in individuals affected with XYLT2-related conditions. Algorithms developed to predict the effect of missense changes on protein structure and function (SIFT, PolyPhen-2, Align-GVGD) all suggest that this variant is likely to be disruptive. In summary, the available evidence is currently insufficient to determine the role of this variant in disease. Therefore, it has been classified as a Variant of Uncertain Significance.